The following is an entry in ClinVar:

ClinVar aggregate classification (germline): Pathogenic (1 of 4 stars; one submission).

Conditions:
Hypertrophic cardiomyopathy. Also called: HYPERTROPHIC MYOCARDIOPATHY. Identifiers: Orphanet 217569, MedGen C0007194, MeSH D002312, MONDO:0005045, HP:0001639.

Submission:

Laboratory for Molecular Medicine, Mass General Brigham Personalized Medicine
Classification: Pathogenic for Hypertrophic cardiomyopathy. Last evaluated: 2010-11-30. Review status: criteria provided, single submitter. Criteria: LMM Criteria. Collection method: clinical testing. Allele origin: germline. Observed: 1 variant allele.
Comment: The Ala181fs has not been reported in the literature. However, this variant is predicted to cause a frameshift, which alters the protein's amino acid sequence beginning at codon 181 and leads to a premature stop codon 53 amino acids downst ream. This alteration is then predicted to lead to a truncated or absent protei n. Loss of function is an established mechanism of disease for the MYBPC3 gene, which makes it highly likely that the Ala181fs variant is pathogenic.

NC_000011.10:g.47349869_47349888del

Gene: MYBPC3 (myosin binding protein C3; minus strand). Cytogenetic location: 11p11.2.
Variant type: Deletion.
Molecular consequence: frameshift variant (on NM_000256.3).
Genome position: GRCh38 VCF-style: chr11-47349867-AGGCGGCTTCAGGAGGCTGGC-A. GRCh37 (hg19) VCF-style: chr11-47371418-AGGCGGCTTCAGGAGGCTGGC-A.
Other names: c.541_560del, p.Ala181fs (NM_000256.3); c.540_559del (NM_000256.3); short protein forms A181fs.
Identifiers: ClinVar variation 42770 (VCV000042770.4), dbSNP rs397516058, ClinGen allele CA015445.